The following is an entry in ClinVar:

NM_001080425.4(BEX4):c.294G>A (p.Gln98=)

Gene: BEX4 (brain expressed X-linked 4; plus strand). Cytogenetic location: Xq22.1.
Variant type: single nucleotide variant.
Coding change: c.294G>A on transcript NM_001080425.4 (MANE Select); coding-DNA position 294, G replaced by A.
Protein change: p.Gln98=; no amino-acid change (glutamine 98 retained).
Molecular consequence: synonymous variant.
Genome position (GRCh38, 1-based): chrX:103,216,447, G>A. VCF-style: chrX-103216447-G-A. GRCh37 (hg19) VCF-style: chrX-102471375-G-A.
Other names: c.294G>A, p.Gln98= (NM_001127688.2).
Identifiers: ClinVar variation 2661091 (VCV002661091.24), dbSNP rs144455353, ClinGen allele CA10477603.

ClinVar aggregate classification (germline): Likely benign (1 of 4 stars; one submission).

Allele frequency attached by ClinVar (database versions not stated): ExAC 0.00005; TOPMed 0.00006; gnomAD 0.00007; ESP Exome Variant Server 0.00028.

Submission:

CeGaT Center for Human Genetics Tuebingen
Classification: Likely benign. Last evaluated: 2022-06-01. Review status: criteria provided, single submitter. Criteria: CeGaT Center For Human Genetics Tuebingen Variant Classification Criteria Version 2. Collection method: clinical testing. Allele origin: germline. Affected: yes. Observed: 1 variant allele.
Comment: BEX4: BP4, BP7